The following is an entry in ClinVar:

NC_000003.12:g.(?_10141848)_(10142197_?)del

Gene: VHL (von Hippel-Lindau tumor suppressor; plus strand). Cytogenetic location: 3p25.3.
Variant type: Deletion.
Identifiers: ClinVar variation 833198 (VCV000833198.1).

ClinVar aggregate classification (germline): Pathogenic (1 of 4 stars; one submission).

Conditions:
Chuvash polycythemia. Also called: POLYCYTHEMIA, VHL-DEPENDENT. Identifiers: Orphanet 238557, MedGen C1837915, MONDO:0009892, OMIM 263400.
Von Hippel-Lindau syndrome (VHLS). Also called: Von Hippel-Lindau; VHL syndrome; von Hippel–Lindau syndrome. Identifiers: Orphanet 892, MedGen C0019562, MONDO:0008667, OMIM 193300. Disease mechanism: loss of function.

Submission:

Labcorp Genetics (formerly Invitae), Labcorp
Classification: Pathogenic for Von Hippel-Lindau syndrome; Erythrocytosis, familial, 2. Last evaluated: 2019-10-30. Review status: criteria provided, single submitter. Criteria: Invitae Variant Classification Sherloc (09022015). Collection method: clinical testing. Allele origin: germline.
Comment: This variant is a gross deletion of the genomic region encompassing exon 1 of the VHL gene, which includes the initiator codon. The 5' end of this event is unknown as it extends beyond the assayed region for this gene and therefore may encompass additional genes. The 3' boundary is likely confined to intron 1 of the VHL gene. This is expected to result in an absent or disrupted protein product. Loss-of-function variants including gross deletions in VHL are known to be pathogenic. Deletions of exon 1 have been reported in the literature in several families and individuals affected with von Hippel-Lindau syndrome (PMID: 10830910, 8069305, 19764026). For these reasons, this variant has been classified as Pathogenic.

Literature cited by the submitters: PubMed 19764026; PubMed 8069305; PubMed 10830910.